The following is an entry in ClinVar:

ClinVar aggregate classification (germline): Uncertain significance (1 of 4 stars; one submission).

Conditions:
Hereditary nonpolyposis colorectal neoplasms. Identifiers: MedGen C0009405, MeSH D003123.

Submission:

Labcorp Genetics (formerly Invitae), Labcorp
Classification: Uncertain significance for Hereditary nonpolyposis colorectal neoplasms. Last evaluated: 2024-03-15. Review status: criteria provided, single submitter. Criteria: Invitae Variant Classification Sherloc (09022015). Collection method: clinical testing. Allele origin: germline.
Comment: This variant, c.1747_1749del, results in the deletion of 1 amino acid(s) of the PMS2 protein (p.Glu583del), but otherwise preserves the integrity of the reading frame. This variant is not present in population databases (gnomAD no frequency). This variant has not been reported in the literature in individuals affected with PMS2-related conditions. Experimental studies and prediction algorithms are not available or were not evaluated, and the functional significance of this variant is currently unknown. In summary, the available evidence is currently insufficient to determine the role of this variant in disease. Therefore, it has been classified as a Variant of Uncertain Significance.

NM_000535.7(PMS2):c.1744GAA[1] (p.Glu583del)

Gene: PMS2 (PMS1 homolog 2, mismatch repair system component; minus strand). Cytogenetic location: 7p22.1.
Variant type: Microsatellite.
Coding change: c.1744GAA[1] on transcript NM_000535.7 (MANE Select); one copy of the 3-base unit GAA starting at c.1744; the reference has two copies in a row; one copy, 3 bases deleted.
Protein change: p.Glu583del; deletes glutamic acid 583.
Molecular consequence: non-coding transcript variant (on NR_136154.1). On other transcripts: intron variant (1).
Genome position (GRCh38, 1-based): chr7:5,987,016-5,987,018, TTC deleted on the plus strand (GAA on the coding strand, the reverse complement: PMS2 is on the minus strand); deleting any 3 consecutive bases within chr7:5,987,016-5,987,023 gives the same sequence; the position shown is the placement nearest the transcript's 3' end. VCF-style (leftmost placement, unchanged base first): chr7-5987015-TTTC-T. GRCh37 (hg19) VCF-style: chr7-6026646-TTTC-T.
Other names: c.1930GAA[1], p.Glu645del (NM_001406866.1); c.1768GAA[1], p.Glu591del (NM_001406868.1); c.1636GAA[1], p.Glu547del (NM_001406869.1); c.1588GAA[1], p.Glu531del (NM_001406870.1, NM_001322006.2); c.1744GAA[1], p.Glu583del (NM_001406871.1, NM_001406872.1, NM_001322014.2); c.1546GAA[1], p.Glu517del (NM_001406873.1); c.1576GAA[1], p.Glu527del (NM_001406874.1); c.1435GAA[1], p.Glu480del (NM_001406875.1, NM_001406877.1, NM_001406878.1 and 5 more transcripts); and 13 more; short protein forms E326del, E461del, E531del, E591del, E425del, E448del, E471del, E475del.
Identifiers: ClinVar variation 3680335 (VCV003680335.2).